The following is an entry in ClinVar:

NM_033026.6(PCLO):c.12056G>T (p.Ser4019Ile)

Gene: PCLO (piccolo presynaptic cytomatrix protein; minus strand). Cytogenetic location: 7q21.11.
Variant type: single nucleotide variant.
Coding change: c.12056G>T on transcript NM_033026.6 (MANE Select); coding-DNA position 12056, G replaced by T.
Protein change: p.Ser4019Ile; replaces serine 4019 with isoleucine.
Molecular consequence: missense variant.
Genome position (GRCh38, 1-based): chr7:82,915,930, C>A on the plus strand (G>T on the coding strand, the complement: PCLO is on the minus strand). VCF-style: chr7-82915930-C-A. GRCh37 (hg19) VCF-style: chr7-82545246-C-A.
Other names: c.12056G>T, p.Ser4019Ile (NM_014510.3); short protein forms S4019I.
Identifiers: ClinVar variation 1945223 (VCV001945223.5), dbSNP rs747018433, ClinGen allele CA367890469.
Genomic context (GRCh38, chr7:82,915,930, plus strand): 5'-TCAATATCTGCATAGAAAGAATCTGCAGATATGCTTGATATTGGACTGCTTGCCATGCTA[C>A]TTCTTTCCTCCAAACCTATTCTCAAGTCTAAACTATTGTACTTACTACCAAGATGGGAAA-3'
Protein context (NP_149015.2, residues 4009-4029): LDLRIGLEER[Ser4019Ile]SMASSPISSI

ClinVar aggregate classification (germline): Uncertain significance (1 of 4 stars; one submission).

gnomAD v4.1: 1 of 1,613,276 alleles (0.000062%); highest among the groups gnomAD compares: Admixed American, 0.0017%; no homozygotes.

Submission:

Labcorp Genetics (formerly Invitae), Labcorp
Classification: Uncertain significance. Last evaluated: 2023-12-11. Review status: criteria provided, single submitter. Criteria: Invitae Variant Classification Sherloc (09022015). Collection method: clinical testing. Allele origin: germline.
Comment: This sequence change replaces serine, which is neutral and polar, with isoleucine, which is neutral and non-polar, at codon 4019 of the PCLO protein (p.Ser4019Ile). This variant is not present in population databases (gnomAD no frequency). This variant has not been reported in the literature in individuals affected with PCLO-related conditions. ClinVar contains an entry for this variant (Variation ID: 1945223). Experimental studies and prediction algorithms are not available or were not evaluated, and the functional significance of this variant is currently unknown. In summary, the available evidence is currently insufficient to determine the role of this variant in disease. Therefore, it has been classified as a Variant of Uncertain Significance.